The following is an entry in ClinVar:

ClinVar aggregate classification (germline): Pathogenic (1 of 4 stars; one submission).

Conditions:
Desmin-related myofibrillar myopathy (MFM1). Also called: Desminopathy; MYOFIBRILLAR MYOPATHY WITH ARRHYTHMOGENIC RIGHT VENTRICULAR CARDIOMYOPATHY; DESMIN-RELATED MYOPATHY WITH ARRHYTHMOGENIC RIGHT VENTRICULAR CARDIOMYOPATHY; Myofibrillar myopathy 1; Desmin related myopathy (former name); Desmin storage myopathy (former name). Identifiers: Orphanet 363543, Orphanet 98909, MedGen C1832370, MONDO:0011076, OMIM 601419.

Allele frequency attached by ClinVar (database versions not stated): TOPMed below 0.00001; gnomAD 0.00001.

Submission:

Labcorp Genetics (formerly Invitae), Labcorp
Classification: Pathogenic for Desmin-related myofibrillar myopathy. Last evaluated: 2022-02-24. Review status: criteria provided, single submitter. Criteria: Invitae Variant Classification Sherloc (09022015). Collection method: clinical testing. Allele origin: germline.
Comment: For these reasons, this variant has been classified as Pathogenic. ClinVar contains an entry for this variant (Variation ID: 639669). This variant has not been reported in the literature in individuals affected with DES-related conditions. This variant is not present in population databases (gnomAD no frequency). This sequence change creates a premature translational stop signal (p.Glu413*) in the DES gene. It is expected to result in an absent or disrupted protein product. Loss-of-function variants in DES are known to be pathogenic (PMID: 23575897).

Literature cited by the submitters: PubMed 23575897.

NM_001927.4(DES):c.1237G>T (p.Glu413Ter)

Gene: DES (desmin; plus strand). Cytogenetic location: 2q35.
Variant type: single nucleotide variant.
Coding change: c.1237G>T on transcript NM_001927.4 (MANE Select); coding-DNA position 1237, G replaced by T.
Protein change: p.Glu413Ter; replaces glutamic acid 413 with a stop codon.
Molecular consequence: nonsense.
Genome position (GRCh38, 1-based): chr2:219,421,553, G>T. VCF-style: chr2-219421553-G-T. GRCh37 (hg19) VCF-style: chr2-220286275-G-T.
Other names: c.1237G>T (LRG_380t1); short protein forms E413*.
Identifiers: ClinVar variation 639669 (VCV000639669.9), dbSNP rs61726467, ClinGen allele CA350695103.
Genomic context (GRCh38, chr2:219,421,553, plus strand): 5'-AACGTGAAGATGGCCCTGGATGTGGAGATTGCCACCTACCGGAAGCTGCTGGAGGGAGAG[G>T]AGAGCCGGTGAGGGGCCAGGCAGGAGCCCGAGTGGGAGGTGCGGGGTGCTGGGTGGTCCA-3'